The following is an entry in ClinVar:

ClinVar aggregate classification (germline): Uncertain significance (1 of 4 stars; one submission).

Conditions:
Autosomal dominant nocturnal frontal lobe epilepsy 5. Also called: KCNT1-Related Epilepsy; CILIARY DYSKINESIA, PRIMARY, 28, WITH SITUS INVERSUS; CILIARY DYSKINESIA, PRIMARY, 28, WITHOUT SITUS INVERSUS; Epilepsy, nocturnal frontal lobe, 5. Identifiers: Orphanet 98784, MedGen C3554306, MONDO:0014002, OMIM 615005.
Developmental and epileptic encephalopathy, 14 (DEE14). Also called: Early infantile epileptic encephalopathy 14. Identifiers: Orphanet 293181, MedGen C3554195, MONDO:0013989, OMIM 614959.

Allele frequency attached by ClinVar (database versions not stated): ExAC 0.00001; gnomAD exomes 0.00001.
gnomAD v4.1: 14 of 1,588,652 alleles (0.00088%); highest among the groups gnomAD compares: East Asian, 0.022%; no homozygotes.

Submission:

Labcorp Genetics (formerly Invitae), Labcorp
Classification: Uncertain significance for Autosomal dominant nocturnal frontal lobe epilepsy 5; Developmental and epileptic encephalopathy, 14. Last evaluated: 2025-03-18. Review status: criteria provided, single submitter. Criteria: Invitae Variant Classification Sherloc (09022015). Collection method: clinical testing. Allele origin: germline.
Comment: This sequence change falls in intron 16 of the KCNT1 gene. It does not directly change the encoded amino acid sequence of the KCNT1 protein. It affects a nucleotide within the consensus splice site. This variant is present in population databases (rs779378180, gnomAD 0.006%). This variant has not been reported in the literature in individuals affected with KCNT1-related conditions. ClinVar contains an entry for this variant (Variation ID: 2926452). Variants that disrupt the consensus splice site are a relatively common cause of aberrant splicing (PMID: 17576681, 9536098). Algorithms developed to predict the effect of sequence changes on RNA splicing suggest that this variant is not likely to affect RNA splicing. In summary, the available evidence is currently insufficient to determine the role of this variant in disease. Therefore, it has been classified as a Variant of Uncertain Significance.

Literature cited by the submitters: PubMed 17576681; PubMed 9536098.

NM_020822.3(KCNT1):c.1620-3C>T

Gene: KCNT1 (potassium sodium-activated channel subfamily T member 1; plus strand). Cytogenetic location: 9q34.3.
Variant type: single nucleotide variant.
Coding change: c.1620-3C>T on transcript NM_020822.3 (MANE Select); 3 bases into the intron before coding-DNA position 1620, C replaced by T.
Molecular consequence: intron variant.
Genome position (GRCh38, 1-based): chr9:135,770,295, C>T. VCF-style: chr9-135770295-C-T. GRCh37 (hg19) VCF-style: chr9-138662141-C-T.
Other names: c.1485-3C>T (NM_001272003.2).
Identifiers: ClinVar variation 2926452 (VCV002926452.3), dbSNP rs779378180, ClinGen allele CA5327010.